The following is an entry in ClinVar:

ClinVar aggregate classification (germline): Conflicting classifications of pathogenicity. Review status: criteria provided, conflicting classifications (1 of 4 stars). 5 submissions from 5 submitters: Uncertain significance (1); Benign (1); Likely benign (3). Last evaluated 2026-03-01.

Conditions:
Congenital stationary night blindness 1C. Also called: Night blindness, congenital stationary (complete), 1C, autosomal recessive. Identifiers: Orphanet 215, MedGen C2750747, MONDO:0013183, OMIM 613216.
TRPM1-related disorder. Also called: TRPM1-related condition.

Allele frequency attached by ClinVar (database versions not stated): 1000 Genomes Project 30x 0.00016; 1000 Genomes Project 0.00020; gnomAD 0.00045 and 0.00047; TOPMed 0.00054; ExAC 0.00059; ESP Exome Variant Server 0.00067.
gnomAD v4.1: 1,563 of 1,614,188 alleles (0.097%); highest among the groups gnomAD compares: Non-Finnish European, 0.12%; 1 homozygote.

Submissions (5):

CeGaT Center for Human Genetics Tuebingen
Classification: Likely benign. Last evaluated: 2026-03-01. Review status: criteria provided, single submitter. Criteria: CeGaT Center For Human Genetics Tuebingen Variant Classification Criteria Version 2. Collection method: clinical testing. Allele origin: germline. Affected: yes. Observed: 3 variant alleles.
Comment: TRPM1: BP4, BP7

Labcorp Genetics (formerly Invitae), Labcorp
Classification: Benign. Last evaluated: 2026-01-04. Review status: criteria provided, single submitter. Criteria: Invitae Variant Classification Sherloc (09022015). Collection method: clinical testing. Allele origin: germline.

PreventionGenetics, part of Exact Sciences
Classification: Likely benign for TRPM1-related condition. Last evaluated: 2025-01-02. Review status: criteria provided, single submitter. Criteria: ACMG Guidelines, 2015. Collection method: clinical testing. Allele origin: germline.
Comment: This variant is classified as likely benign based on ACMG/AMP sequence variant interpretation guidelines (Richards et al. 2015 PMID: 25741868, with internal and published modifications).

Blueprint Genetics
Classification: Likely benign. Last evaluated: 2024-11-25. Review status: criteria provided, single submitter. Criteria: ACMG Guidelines, 2015. Collection method: clinical testing. Allele origin: germline.

Illumina Laboratory Services, Illumina
Classification: Uncertain significance for Congenital stationary night blindness 1C. Last evaluated: 2018-01-12. Review status: criteria provided, single submitter. Criteria: ICSL Variant Classification Criteria 13 December 2019. Collection method: clinical testing. Allele origin: germline.

NM_001252024.2(TRPM1):c.4308C>A (p.Pro1436=)

Gene: TRPM1 (transient receptor potential cation channel subfamily M member 1; minus strand). Cytogenetic location: 15q13.3.
Variant type: single nucleotide variant.
Coding change: c.4308C>A on transcript NM_001252024.2 (MANE Select); coding-DNA position 4308, C replaced by A.
Protein change: p.Pro1436=; no amino-acid change (proline 1436 retained).
Molecular consequence: synonymous variant.
Genome position (GRCh38, 1-based): chr15:31,002,392, G>T on the plus strand (C>A on the coding strand, the complement: TRPM1 is on the minus strand). VCF-style: chr15-31002392-G-T. GRCh37 (hg19) VCF-style: chr15-31294595-G-T.
Other names: c.4359C>A, p.Pro1453= (NM_001252020.2); c.4242C>A, p.Pro1414= (NM_002420.6); c.4359C>A (NM_001252020.1).
Identifiers: ClinVar variation 315494 (VCV000315494.47), dbSNP rs138216783, ClinGen allele CA7451669.